The following is an entry in ClinVar:

NM_170606.3(KMT2C):c.7641A>C (p.Pro2547=)

Gene: KMT2C (lysine methyltransferase 2C; minus strand). Cytogenetic location: 7q36.1.
Variant type: single nucleotide variant.
Coding change: c.7641A>C on transcript NM_170606.3 (MANE Select); coding-DNA position 7641, A replaced by C.
Protein change: p.Pro2547=; no amino-acid change (proline 2547 retained).
Molecular consequence: synonymous variant.
Genome position (GRCh38, 1-based): chr7:152,177,812, T>G on the plus strand (A>C on the coding strand, the complement: KMT2C is on the minus strand). VCF-style: chr7-152177812-T-G. GRCh37 (hg19) VCF-style: chr7-151874897-T-G.
Identifiers: ClinVar variation 4875398 (VCV004875398.2).

ClinVar aggregate classification (germline): Likely benign (1 of 4 stars; one submission).

gnomAD v4.1: 6 of 1,613,862 alleles (0.00037%); highest among the groups gnomAD compares: Admixed American, 0.01%; no homozygotes.

Submission:

CeGaT Center for Human Genetics Tuebingen
Classification: Likely benign. Last evaluated: 2026-07-01. Review status: criteria provided, single submitter. Criteria: CeGaT Center For Human Genetics Tuebingen Variant Classification Criteria Version 2. Collection method: clinical testing. Allele origin: germline. Affected: yes. Observed: 1 variant allele.
Comment: KMT2C: BP4, BP7